The following is an entry in ClinVar:

ClinVar aggregate classification (germline): Uncertain significance (1 of 4 stars; one submission).

Conditions:
HYPERHOMOCYSTEINEMIA, THROMBOTIC, CBS-RELATED. Identifiers: MedGen C3150344, OMIM 236200.

Submission:

Labcorp Genetics (formerly Invitae), Labcorp
Classification: Uncertain significance for HYPERHOMOCYSTEINEMIA, THROMBOTIC, CBS-RELATED. Last evaluated: 2022-02-11. Review status: criteria provided, single submitter. Criteria: Invitae Variant Classification Sherloc (09022015). Collection method: clinical testing. Allele origin: germline.
Comment: Algorithms developed to predict the effect of missense changes on protein structure and function (SIFT, PolyPhen-2, Align-GVGD) all suggest that this variant is likely to be tolerated. In summary, the available evidence is currently insufficient to determine the role of this variant in disease. Therefore, it has been classified as a Variant of Uncertain Significance. This variant has not been reported in the literature in individuals affected with CBS-related conditions. This sequence change replaces threonine, which is neutral and polar, with asparagine, which is neutral and polar, at codon 5 of the CBS protein (p.Thr5Asn). This variant is not present in population databases (gnomAD no frequency).

NM_000071.3(CBS):c.14C>A (p.Thr5Asn)

Gene: CBS (cystathionine beta-synthase; minus strand). Cytogenetic location: 21q22.3.
Variant type: single nucleotide variant.
Coding change: c.14C>A on transcript NM_000071.3 (MANE Select); coding-DNA position 14, C replaced by A.
Protein change: p.Thr5Asn; replaces threonine 5 with asparagine.
Molecular consequence: missense variant.
Genome position (GRCh38, 1-based): chr21:43,072,180, G>T on the plus strand (C>A on the coding strand, the complement: CBS is on the minus strand). VCF-style: chr21-43072180-G-T. GRCh37 (hg19) VCF-style: chr21-44492290-G-T.
Other names: c.14C>A, p.Thr5Asn (NM_001178008.3, NM_001178009.3, NM_001320298.2); short protein forms T5N.
Identifiers: ClinVar variation 2169097 (VCV002169097.4), dbSNP rs2517484287, ClinGen allele CA410602619.